The following is an entry in ClinVar:

ClinVar aggregate classification (germline): Pathogenic/Likely pathogenic. Review status: criteria provided, multiple submitters, no conflicts (2 of 4 stars). 11 submissions from 11 submitters: Pathogenic (6); Likely pathogenic (1). 4 of the submissions do not count toward it. Last evaluated 2023-03-23.

Conditions:
Cataract 9, multiple types, with microcornea. Identifiers: MedGen C4015986.
Cataract 9 multiple types. Also called: Cataract 9, multiple types, with or without microcornea; Cataract, autosomal recessive congenital 1. Identifiers: Orphanet 1377, MedGen C1858679, MONDO:0011413, OMIM 604219.
CRYAA-related disorder. Also called: CRYAA-related condition.
Developmental cataract. Also called: Bilateral cataracts; Congenital cataract; Congenital cataracts. Identifiers: MedGen C0009691, HP:0000519.

Allele frequency attached by ClinVar (database versions not stated): TOPMed below 0.00001.

Submissions (11):

GeneDx
Classification: Pathogenic. Last evaluated: 2023-03-23. Review status: criteria provided, single submitter. Criteria: GeneDx Variant Classification Process June 2021. Collection method: clinical testing. Allele origin: germline. Affected: yes.
Comment: Published functional studies demonstrate a damaging effect (Kore et al., 2012, Raju et al., 2011; Raju et al., 2012); Not observed at significant frequency in large population cohorts (gnomAD); In silico analysis supports that this missense variant has a deleterious effect on protein structure/function; This variant is associated with the following publications: (PMID: 29914532, 17724170, 30078984, 26694549, 32883240, 34758253, 22140512, 22347476, 18587492, 29386872, 23441109, 22045060)

Laboratory of Medical Genetics, National & Kapodistrian University of Athens
Classification: Pathogenic for Cataract 9 multiple types. Last evaluated: 2022-09-12. Review status: criteria provided, single submitter. Criteria: ACMG Guidelines, 2015. Collection method: clinical testing. Allele origin: germline. Affected: yes.
Comment: PS4, PM2, PP2, PP3, PP5

Clinical Genetics Laboratory, Skane University Hospital Lund
Classification: Pathogenic. Last evaluated: 2022-07-13. Review status: criteria provided, single submitter. Criteria: ACMG Guidelines, 2015. Collection method: clinical testing. Allele origin: germline. Affected: yes.

Blueprint Genetics
Classification: Pathogenic for CRYAA-related disorders. Last evaluated: 2022-04-27. Review status: criteria provided, single submitter. Criteria: ACMG Guidelines, 2015. Collection method: clinical testing. Allele origin: germline. Affected: yes. Observed: 5 variant alleles.

Labcorp Genetics (formerly Invitae), Labcorp
Classification: Pathogenic for Cataract 9 multiple types. Last evaluated: 2021-07-22. Review status: criteria provided, single submitter. Criteria: Invitae Variant Classification Sherloc (09022015). Collection method: clinical testing. Allele origin: germline.
Comment: For these reasons, this variant has been classified as Pathogenic. This variant has been reported to affect CRYAA protein function (PMID: 22045060, 22347476, 22140512). This variant has been observed in individual(s) with autosomal dominant congenital cataracts (PMID: 23441109, 29386872). It has also been observed to segregate with disease in related individuals. ClinVar contains an entry for this variant (Variation ID: 68460). This variant is not present in population databases (ExAC no frequency). This sequence change replaces arginine with tryptophan at codon 21 of the CRYAA protein (p.Arg21Trp). The arginine residue is highly conserved and there is a moderate physicochemical difference between arginine and tryptophan.

Institute of Human Genetics Munich, TUM University Hospital
Classification: Pathogenic for Cataract 9 multiple types. Last evaluated: 2019-06-07. Review status: criteria provided, single submitter. Criteria: Classification criteria August 2017. Collection method: clinical testing. Allele origin: paternal. Inheritance: Autosomal dominant inheritance. Affected: yes. Observed: 1 heterozygote.

Genomics England Pilot Project, Genomics England
Classification: Likely pathogenic for Cataract 9 multiple types. Review status: criteria provided, single submitter. Criteria: ACGS Guidelines, 2016. Collection method: clinical testing. Allele origin: germline. Affected: yes.

PreventionGenetics, part of Exact Sciences
Classification: Pathogenic for CRYAA-related condition. Last evaluated: 2024-05-04. Review status: no assertion criteria provided. Collection method: clinical testing. Allele origin: germline. Not counted in ClinVar's aggregate classification.
Comment: The CRYAA c.61C>T variant is predicted to result in the amino acid substitution p.Arg21Trp. This variant has been reported in several families with congenital cataracts (Hansen et al. 2007. PubMed ID: 17724170; Kondo et al. 2013. PubMed ID: 23441109; Ma et al. 2016. PubMed ID: 26694549). Functional studies have shown that this variant impacts the interaction with αB-Crystallin and causes increased protein aggregation (Raju et al. 2011. PubMed ID: 22140512; Raju et al. 2012. PubMed ID: 22347476). This variant has not been reported in a large population database, indicating this variant is rare. In addition, other variants impacting the same amino acid (p.Arg21Gln and p.Arg21Leu) have been documented in patients with congenital cataract (Laurie et al. 2013. PubMed ID: 23255486; Graw et al. 2006. PubMed ID: 16453125). Based on this evidence, the c.61C>T (p.Arg21Trp) variant is interpreted as pathogenic.

Eye Genetics Research Group, Children's Medical Research Institute
Classification: Pathogenic for Developmental cataract. Last evaluated: 2015-01-09. Review status: no assertion criteria provided. Collection method: research. Allele origin: inherited. Affected: yes. Not counted in ClinVar's aggregate classification.

OMIM
Classification: Pathogenic for CATARACT 9, MULTIPLE TYPES, WITH MICROCORNEA. Last evaluated: 2007-09-01. Review status: no assertion criteria provided. Collection method: literature only. Allele origin: germline. Not counted in ClinVar's aggregate classification.

Dr.Nikuei Genetic Center
Classification: Pathogenic for Cataract 9 multiple types. Review status: no assertion criteria provided. Collection method: clinical testing. Allele origin: germline. Inheritance: Autosomal recessive inheritance. Affected: yes. Not counted in ClinVar's aggregate classification.

Literature cited by the submitters: PubMed 22045060 (cited by Labcorp Genetics (formerly Invitae), Labcorp); PubMed 22347476 (cited by Labcorp Genetics (formerly Invitae), Labcorp); PubMed 22140512 (cited by Labcorp Genetics (formerly Invitae), Labcorp); PubMed 23441109 (cited by Labcorp Genetics (formerly Invitae), Labcorp); PubMed 29386872 (cited by Labcorp Genetics (formerly Invitae), Labcorp); PubMed 26694549 (cited by Eye Genetics Research Group, Children's Medical Research Institute); PubMed 17724170 (cited by OMIM).

NM_000394.4(CRYAA):c.61C>T (p.Arg21Trp)

Gene: CRYAA (crystallin alpha A; plus strand). Cytogenetic location: 21q22.3.
Variant type: single nucleotide variant.
Coding change: c.61C>T on transcript NM_000394.4 (MANE Select); coding-DNA position 61, C replaced by T.
Protein change: p.Arg21Trp; replaces arginine 21 with tryptophan.
Molecular consequence: missense variant.
Genome position (GRCh38, 1-based): chr21:43,169,160, C>T. VCF-style: chr21-43169160-C-T. GRCh37 (hg19) VCF-style: chr21-44589270-C-T.
Other names: short protein forms R21W.
Identifiers: ClinVar variation 68460 (VCV000068460.21), dbSNP rs397515625, ClinGen allele CA145175.